The following is an entry in ClinVar:

NM_003458.4(BSN):c.10114T>C (p.Phe3372Leu)

Gene: BSN (bassoon presynaptic cytomatrix protein; plus strand). Cytogenetic location: 3p21.31.
Variant type: single nucleotide variant.
Coding change: c.10114T>C on transcript NM_003458.4 (MANE Select); coding-DNA position 10114, T replaced by C.
Protein change: p.Phe3372Leu; replaces phenylalanine 3372 with leucine.
Molecular consequence: missense variant.
Genome position (GRCh38, 1-based): chr3:49,661,959, T>C. VCF-style: chr3-49661959-T-C. GRCh37 (hg19) VCF-style: chr3-49699392-T-C.
Other names: short protein forms F3372L.
Identifiers: ClinVar variation 3900282 (VCV003900282.1).

ClinVar aggregate classification (germline): Uncertain significance (1 of 4 stars; one submission).

Submission:

GeneDx
Classification: Uncertain significance. Last evaluated: 2023-01-03. Review status: criteria provided, single submitter. Criteria: GeneDx Variant Classification Process June 2021. Collection method: clinical testing. Allele origin: germline. Affected: yes.
Comment: Not observed at significant frequency in large population cohorts (gnomAD); In silico analysis supports that this missense variant has a deleterious effect on protein structure/function; Has not been previously published as pathogenic or benign to our knowledge; Variants in candidate genes are classified as variants of uncertain significance in accordance with ACMG guidelines (Richards et al., 2015)